The following is an entry in ClinVar:

ClinVar aggregate classification (germline): Benign/Likely benign. Review status: criteria provided, multiple submitters, no conflicts (2 of 4 stars). 3 submissions from 3 submitters: Benign (1); Likely benign (2). Last evaluated 2025-03-11.

Conditions:
Hereditary cancer-predisposing syndrome. Also called: Tumor predisposition; Hereditary Cancer Syndrome; Hereditary neoplastic syndrome; Neoplastic Syndromes, Hereditary. Identifiers: Orphanet 140162, MedGen C0027672, MeSH D009386, MONDO:0015356.
Pheochromocytoma/paraganglioma syndrome 5. Also called: Paragangliomas 5; SDHA-Related Hereditary Paraganglioma-Pheochromocytoma Syndrome. Identifiers: Orphanet 29072, MedGen C3279992, MONDO:0013602, OMIM 614165.
Mitochondrial complex II deficiency, nuclear type 1. Also called: SUCCINATE CoQ REDUCTASE DEFICIENCY. Identifiers: Orphanet 3208, MedGen C5700310, MONDO:0100294, OMIM 252011.

gnomAD v4.1: 1 of 1,613,792 alleles (0.000062%); highest among the groups gnomAD compares: Non-Finnish European, 0.000085%; no homozygotes.

Submissions (3):

Myriad Genetics, Inc.
Classification: Benign for Pheochromocytoma/paraganglioma syndrome 5. Last evaluated: 2025-03-11. Review status: criteria provided, single submitter. Criteria: Myriad Autosomal Dominant, Autosomal Recessive and X-Linked Classification Criteria (2023). Collection method: clinical testing. Allele origin: unknown.
Comment: This variant is considered benign. This variant is a silent/synonymous amino acid change and it is not expected to impact splicing.

Labcorp Genetics (formerly Invitae), Labcorp
Classification: Likely benign for Pheochromocytoma/paraganglioma syndrome 5; Mitochondrial complex II deficiency, nuclear type 1. Last evaluated: 2024-12-28. Review status: criteria provided, single submitter. Criteria: Invitae Variant Classification Sherloc (09022015). Collection method: clinical testing. Allele origin: germline.

Ambry Genetics
Classification: Likely benign for Hereditary cancer-predisposing syndrome. Last evaluated: 2021-12-13. Review status: criteria provided, single submitter. Criteria: Ambry Variant Classification Scheme 2023. Collection method: clinical testing. Allele origin: germline.

NM_004168.4(SDHA):c.1971C>A (p.Val657=)

Gene: SDHA (succinate dehydrogenase complex flavoprotein subunit A; plus strand). Cytogenetic location: 5p15.33.
Variant type: single nucleotide variant.
Coding change: c.1971C>A on transcript NM_004168.4 (MANE Select); coding-DNA position 1971, C replaced by A.
Protein change: p.Val657=; no amino-acid change (valine 657 retained).
Molecular consequence: synonymous variant.
Genome position (GRCh38, 1-based): chr5:256,396, C>A. VCF-style: chr5-256396-C-A. GRCh37 (hg19) VCF-style: chr5-256511-C-A.
Other names: c.1827C>A, p.Val609= (NM_001294332.2); c.1728C>A, p.Val576= (NM_001330758.2).
Identifiers: ClinVar variation 1783625 (VCV001783625.5), dbSNP rs746083858, ClinGen allele CA442659628.